The following is an entry in ClinVar:

NM_000222.3(KIT):c.1232-3T>C

Gene: KIT (KIT proto-oncogene, receptor tyrosine kinase; plus strand). Cytogenetic location: 4q12.
Variant type: single nucleotide variant.
Coding change: c.1232-3T>C on transcript NM_000222.3 (MANE Select); 3 bases into the intron before coding-DNA position 1232, T replaced by C.
Molecular consequence: intron variant.
Genome position (GRCh38, 1-based): chr4:54,723,581, T>C. VCF-style: chr4-54723581-T-C. GRCh37 (hg19) VCF-style: chr4-55589747-T-C.
Other names: c.1235-3T>C (NM_001385284.1, NM_001385290.1, NM_001385288.1 and 1 more transcripts); c.1232-3T>C (NM_001385285.1, NM_001093772.2, NM_001385286.1).
Identifiers: ClinVar variation 971348 (VCV000971348.11), dbSNP rs1722024450, ClinGen allele CA1139655845.
Genomic context (GRCh38, chr4:54,723,581, plus strand): 5'-TGAAGTGAATGTTGCTGAGGTTTTCCAGCACTCTGACATATGGCCATTTCTGTTTTCCTG[T>C]AGCAAAACCAGAAATCCTGACTTACGACAGGCTCGTGAATGGCATGCTCCAATGTGTGGC-3'

ClinVar aggregate classification (germline): Uncertain significance. Review status: criteria provided, multiple submitters, no conflicts (2 of 4 stars). 2 submissions from 2 submitters: Uncertain significance (2). Last evaluated 2025-04-09.

Conditions:
Hereditary cancer-predisposing syndrome. Also called: Neoplastic Syndromes, Hereditary; Hereditary Cancer Syndrome; Hereditary neoplastic syndrome; Tumor predisposition. Identifiers: Orphanet 140162, MedGen C0027672, MeSH D009386, MONDO:0015356.
Gastrointestinal stromal tumor. Also called: Gastrointestinal stromal tumor, somatic; Gastrointestinal stroma tumor. Identifiers: Orphanet 44890, MedGen C0238198, MeSH D046152, MONDO:0011719, OMIM 606764, HP:0100723.

Allele frequency attached by ClinVar (database versions not stated): gnomAD exomes below 0.00001.
gnomAD v4.1: 1 of 1,604,750 alleles (0.000062%); highest among the groups gnomAD compares: Non-Finnish European, 0.000085%; no homozygotes.

Submissions (2):

Labcorp Genetics (formerly Invitae), Labcorp
Classification: Uncertain significance for Gastrointestinal stromal tumor. Last evaluated: 2025-04-09. Review status: criteria provided, single submitter. Criteria: Invitae Variant Classification Sherloc (09022015). Collection method: clinical testing. Allele origin: germline.
Comment: This sequence change falls in intron 7 of the KIT gene. It does not directly change the encoded amino acid sequence of the KIT protein. It affects a nucleotide within the consensus splice site. This variant is not present in population databases (gnomAD no frequency). This variant has not been reported in the literature in individuals affected with KIT-related conditions. ClinVar contains an entry for this variant (Variation ID: 971348). Variants that disrupt the consensus splice site are a relatively common cause of aberrant splicing (PMID: 17576681, 9536098). Algorithms developed to predict the effect of sequence changes on RNA splicing suggest that this variant is not likely to affect RNA splicing. In summary, the available evidence is currently insufficient to determine the role of this variant in disease. Therefore, it has been classified as a Variant of Uncertain Significance.

Ambry Genetics
Classification: Uncertain significance for Hereditary cancer-predisposing syndrome. Last evaluated: 2025-03-23. Review status: criteria provided, single submitter. Criteria: Ambry Variant Classification Scheme 2023. Collection method: clinical testing. Allele origin: germline.
Comment: The c.1232-3T>C intronic variant results from a T to C substitution 3 nucleotides upstream from coding exon 8 in the KIT gene. This nucleotide position is well conserved in available vertebrate species. In silico splice site analysis predicts that this alteration will not have any significant effect on splicing. Based on the available evidence, the clinical significance of this variant remains unclear.

Literature cited by the submitters: PubMed 17576681 (cited by Labcorp Genetics (formerly Invitae), Labcorp); PubMed 9536098 (cited by Labcorp Genetics (formerly Invitae), Labcorp).